The following is an entry in ClinVar:

ClinVar aggregate classification (germline): Uncertain significance (1 of 4 stars; one submission).

Conditions:
Primary familial hypertrophic cardiomyopathy (HCM). Identifiers: Orphanet 99739, MedGen C0949658, MeSH D024741, MONDO:0024573. Inheritance: Various modes of inheritance.
Hypertrophic cardiomyopathy 25 (CMH25). Also called: CARDIOMYOPATHY, FAMILIAL HYPERTROPHIC, 25. Identifiers: MedGen C4225408, MONDO:0011843, OMIM 607487.

Submission:

Labcorp Genetics (formerly Invitae), Labcorp
Classification: Uncertain significance for Hypertrophic cardiomyopathy 25; Primary familial hypertrophic cardiomyopathy. Last evaluated: 2024-06-29. Review status: criteria provided, single submitter. Criteria: Invitae Variant Classification Sherloc (09022015). Collection method: clinical testing. Allele origin: germline.
Comment: This sequence change replaces glutamic acid, which is acidic and polar, with valine, which is neutral and non-polar, at codon 42 of the TCAP protein (p.Glu42Val). This variant is not present in population databases (gnomAD no frequency). This variant has not been reported in the literature in individuals affected with TCAP-related conditions. An algorithm developed to predict the effect of missense changes on protein structure and function (PolyPhen-2) suggests that this variant is likely to be disruptive. In summary, the available evidence is currently insufficient to determine the role of this variant in disease. Therefore, it has been classified as a Variant of Uncertain Significance.

NM_003673.4(TCAP):c.125A>T (p.Glu42Val)

Gene: TCAP (titin-cap; plus strand). Cytogenetic location: 17q12.
Variant type: single nucleotide variant.
Coding change: c.125A>T on transcript NM_003673.4 (MANE Select); coding-DNA position 125, A replaced by T.
Protein change: p.Glu42Val; replaces glutamic acid 42 with valine.
Molecular consequence: missense variant.
Genome position (GRCh38, 1-based): chr17:39,665,730, A>T. VCF-style: chr17-39665730-A-T. GRCh37 (hg19) VCF-style: chr17-37821983-A-T.
Other names: short protein forms E42V.
Identifiers: ClinVar variation 3757041 (VCV003757041.2).